The following is an entry in ClinVar:

ClinVar aggregate classification (germline): Likely benign. Review status: criteria provided, single submitter (1 of 4 stars). 2 submissions from 2 submitters: Likely benign (1). 1 of the submissions does not count toward it. Last evaluated 2026-02-01.

Conditions:
Imerslund-Grasbeck syndrome. Also called: PERNICIOUS ANEMIA, JUVENILE, DUE TO SELECTIVE INTESTINAL MALABSORPTION OF VITAMIN B12, WITH PROTEINURIA; Imerslund-Gräsbeck syndrome; Megaloblastic anemia due to inborn errors of metabolism; ENTEROCYTE COBALAMIN MALABSORPTION; ENTEROCYTE INTRINSIC FACTOR RECEPTOR, DEFECT OF. Identifiers: Orphanet 35858, MedGen C4551825, MONDO:0009853.
CUBN-related disorder. Also called: CUBN-related condition.

Allele frequency attached by ClinVar (database versions not stated): ExAC 0.00042; 1000 Genomes Project 30x 0.00109; 1000 Genomes Project 0.00120; gnomAD 0.00131 and 0.00143; TOPMed 0.00151; ESP Exome Variant Server 0.00154.
gnomAD v4.1: 416 of 1,613,812 alleles (0.026%); highest among the groups gnomAD compares: African/African-American, 0.52%; no homozygotes.

Submissions (2):

Labcorp Genetics (formerly Invitae), Labcorp
Classification: Likely benign for Imerslund-Grasbeck syndrome. Last evaluated: 2026-02-01. Review status: criteria provided, single submitter. Criteria: Invitae Variant Classification Sherloc (09022015). Collection method: clinical testing. Allele origin: germline.

PreventionGenetics, part of Exact Sciences
Classification: Likely benign for CUBN-related condition. Last evaluated: 2022-06-21. Review status: no assertion criteria provided. Collection method: clinical testing. Allele origin: germline. Not counted in ClinVar's aggregate classification.
Comment: This variant is classified as likely benign based on ACMG/AMP sequence variant interpretation guidelines (Richards et al. 2015 PMID: 25741868, with internal and published modifications).

NM_001081.4(CUBN):c.6142C>G (p.Gln2048Glu)

Gene: CUBN (cubilin; minus strand). Cytogenetic location: 10p13.
Variant type: single nucleotide variant.
Coding change: c.6142C>G on transcript NM_001081.4 (MANE Select); coding-DNA position 6142, C replaced by G.
Protein change: p.Gln2048Glu; replaces glutamine 2048 with glutamic acid.
Molecular consequence: missense variant.
Genome position (GRCh38, 1-based): chr10:16,928,286, G>C on the plus strand (C>G on the coding strand, the complement: CUBN is on the minus strand). VCF-style: chr10-16928286-G-C. GRCh37 (hg19) VCF-style: chr10-16970285-G-C.
Other names: short protein forms Q2048E.
Identifiers: ClinVar variation 532209 (VCV000532209.14), dbSNP rs146995189, ClinGen allele CA5423786.